The following is an entry in ClinVar:

NM_002256.4(KISS1):c.328C>A (p.Pro110Thr)

Gene: KISS1 (KiSS-1 metastasis suppressor; minus strand). Cytogenetic location: 1q32.1.
Variant type: single nucleotide variant.
Coding change: c.328C>A on transcript NM_002256.4 (MANE Select); coding-DNA position 328, C replaced by A.
Protein change: p.Pro110Thr; replaces proline 110 with threonine.
Molecular consequence: missense variant.
Genome position (GRCh38, 1-based): chr1:204,190,573, G>T on the plus strand (C>A on the coding strand, the complement: KISS1 is on the minus strand). VCF-style: chr1-204190573-G-T. GRCh37 (hg19) VCF-style: chr1-204159701-G-T.
Other names: short protein forms P110T.
Identifiers: ClinVar variation 716738 (VCV000716738.11), dbSNP rs192636495, ClinGen allele CA1345127.

ClinVar aggregate classification (germline): Benign. Review status: criteria provided, multiple submitters, no conflicts (2 of 4 stars). 2 submissions from 2 submitters: Benign (2). Last evaluated 2025-11-24.

Allele frequency attached by ClinVar (database versions not stated): ESP Exome Variant Server 0.00009; gnomAD exomes 0.00123 and 0.00398; gnomAD 0.00129 and 0.00205; TOPMed 0.00214; ExAC 0.00633; 1000 Genomes Project 30x 0.01187; 1000 Genomes Project 0.01258.
gnomAD v4.1: 2,259 of 1,605,126 alleles (0.14%); highest among the groups gnomAD compares: East Asian, 3.6%; 52 homozygotes.

Submissions (2):

Labcorp Genetics (formerly Invitae), Labcorp
Classification: Benign. Last evaluated: 2025-11-24. Review status: criteria provided, single submitter. Criteria: Invitae Variant Classification Sherloc (09022015). Collection method: clinical testing. Allele origin: germline.

GeneDx
Classification: Benign. Last evaluated: 2018-08-13. Review status: criteria provided, single submitter. Criteria: GeneDx Variant Classification Process June 2021. Collection method: clinical testing. Allele origin: germline. Affected: yes.
Comment: This variant is associated with the following publications: (PMID: 22230814, 25120323, 20631455, 17609410, 21880801)